The following is an entry in ClinVar:

ClinVar aggregate classification (germline): Conflicting classifications of pathogenicity. Review status: criteria provided, conflicting classifications (1 of 4 stars). 2 submissions from 2 submitters: Likely pathogenic (1); Uncertain significance (1). Last evaluated 2024-11-01.

Conditions:
Childhood hypophosphatasia. Identifiers: Orphanet 247667, Orphanet 436, MedGen C0220743, MONDO:1010168, OMIM 241510, MONDO:0009428.

Submissions (2):

CeGaT Center for Human Genetics Tuebingen
Classification: Uncertain significance. Last evaluated: 2024-11-01. Review status: criteria provided, single submitter. Criteria: CeGaT Center For Human Genetics Tuebingen Variant Classification Criteria Version 2. Collection method: clinical testing. Allele origin: germline. Affected: yes. Observed: 1 variant allele.
Comment: ALPL: PM2, PP4

Pediatric Department, Fayoum Faculty of Medicine
Classification: Likely pathogenic for Childhood hypophosphatasia. Review status: criteria provided, single submitter. Criteria: ACMG Guidelines, 2015. Collection method: clinical testing. Allele origin: germline. Inheritance: Autosomal recessive inheritance. Affected: yes. Observed: 1 homozygote.
Comment: The ALPL variant c.437A>G p.(Glu146Gly) causes an amino acid change from Glu to Gly at position 146 in exon(s) no. 5 (of 12). To the best of our knowledge this is a novel variant not previously reported in the literature. ClinVar lists this variant (Interpretation: Uncertain significance; Accession: VCV003390256.7). This variant is not present in population databases (gnomAD). Furthermore, meta in silico prediction tool REVEL predicts pathogenic effect for this variant. Based on this cumulative evidence and in accordance with CENTOGENE's implementation of the ACMG/AMP/ClinGen SVI guidelines, the reported variant is reclassified from variant of uncertain significance (VUS) to likely pathogenic.

Literature cited by the submitters: PubMed 32973344 (cited by Pediatric Department, Fayoum Faculty of Medicine).

NM_000478.6(ALPL):c.437A>G (p.Glu146Gly)

Gene: ALPL (alkaline phosphatase, biomineralization associated; plus strand). Cytogenetic location: 1p36.12.
Variant type: single nucleotide variant.
Coding change: c.437A>G on transcript NM_000478.6 (MANE Select); coding-DNA position 437, A replaced by G.
Protein change: p.Glu146Gly; replaces glutamic acid 146 with glycine.
Molecular consequence: missense variant.
Genome position (GRCh38, 1-based): chr1:21,563,249, A>G. VCF-style: chr1-21563249-A-G. GRCh37 (hg19) VCF-style: chr1-21889742-A-G.
Other names: c.272A>G, p.Glu91Gly (NM_001127501.4); c.206A>G, p.Glu69Gly (NM_001177520.3); c.437A>G, p.Glu146Gly (NM_001369803.2, NM_001369804.2, NM_001369805.2); c.437A>G (NM_000478.5); short protein forms E146G, E69G, E91G.
Identifiers: ClinVar variation 3390256 (VCV003390256.14).